The following is an entry in ClinVar:

NM_001364905.1(LRBA):c.3373C>T (p.Leu1125=)

Gene: LRBA (LPS responsive beige-like anchor protein; minus strand). Cytogenetic location: 4q31.3.
Variant type: single nucleotide variant.
Coding change: c.3373C>T on transcript NM_001364905.1 (MANE Select); coding-DNA position 3373, C replaced by T.
Protein change: p.Leu1125=; no amino-acid change (leucine 1125 retained).
Molecular consequence: synonymous variant.
Genome position (GRCh38, 1-based): chr4:150,852,337, G>A on the plus strand (C>T on the coding strand, the complement: LRBA is on the minus strand). VCF-style: chr4-150852337-G-A. GRCh37 (hg19) VCF-style: chr4-151773489-G-A.
Other names: c.3373C>T, p.Leu1125= (NM_001199282.3, NM_001367550.1, NM_006726.5).
Identifiers: ClinVar variation 473173 (VCV000473173.37), dbSNP rs138238756, ClinGen allele CA3103053.

ClinVar aggregate classification (germline): Likely benign. Review status: criteria provided, multiple submitters, no conflicts (2 of 4 stars). 3 submissions from 3 submitters: Likely benign (3). Last evaluated 2025-12-14.

Conditions:
Combined immunodeficiency due to LRBA deficiency. Also called: Common variable immunodeficiency 8, with autoimmunity. Identifiers: Orphanet 445018, MedGen C3553512, MONDO:0013863, OMIM 614700.

Allele frequency attached by ClinVar (database versions not stated): TOPMed 0.00013; ESP Exome Variant Server 0.00046.
gnomAD v4.1: 216 of 1,613,814 alleles (0.013%); highest among the groups gnomAD compares: Non-Finnish European, 0.016%; no homozygotes.

Submissions (3):

Labcorp Genetics (formerly Invitae), Labcorp
Classification: Likely benign for Combined immunodeficiency due to LRBA deficiency. Last evaluated: 2025-12-14. Review status: criteria provided, single submitter. Criteria: Invitae Variant Classification Sherloc (09022015). Collection method: clinical testing. Allele origin: germline.

CeGaT Center for Human Genetics Tuebingen
Classification: Likely benign. Last evaluated: 2023-08-01. Review status: criteria provided, single submitter. Criteria: CeGaT Center For Human Genetics Tuebingen Variant Classification Criteria Version 2. Collection method: clinical testing. Allele origin: germline. Affected: yes. Observed: 1 variant allele.
Comment: LRBA: BP4, BP7

Blueprint Genetics
Classification: Likely benign. Last evaluated: 2023-06-12. Review status: criteria provided, single submitter. Criteria: ACMG Guidelines, 2015. Collection method: clinical testing. Allele origin: germline.